The following is an entry in ClinVar:

ClinVar aggregate classification (germline): Uncertain significance (1 of 4 stars; one submission).

Conditions:
Glycogen storage disease, type V (GSD5). Also called: MCARDLE DISEASE; MUSCLE GLYCOGEN PHOSPHORYLASE DEFICIENCY; MYOPHOSPHORYLASE DEFICIENCY; PYGM DEFICIENCY; McArdle type glycogen storage disease. Identifiers: Orphanet 368, MedGen C0017924, MONDO:0009293, OMIM 232600.

Submission:

Labcorp Genetics (formerly Invitae), Labcorp
Classification: Uncertain significance for Glycogen storage disease, type V. Last evaluated: 2022-07-27. Review status: criteria provided, single submitter. Criteria: Invitae Variant Classification Sherloc (09022015). Collection method: clinical testing. Allele origin: germline.
Comment: This sequence change falls in intron 2 of the PYGM gene. It does not directly change the encoded amino acid sequence of the PYGM protein. Information on the frequency of this variant in the gnomAD database is not available, as this variant may be reported differently in the database. This variant has not been reported in the literature in individuals affected with PYGM-related conditions. In summary, the available evidence is currently insufficient to determine the role of this variant in disease. Therefore, it has been classified as a Variant of Uncertain Significance.

NM_005609.4(PYGM):c.345+17_345+18delinsAA

Gene: PYGM (glycogen phosphorylase, muscle associated; minus strand). Cytogenetic location: 11q13.1.
Variant type: Indel.
Coding change: c.345+17_345+18delinsAA on transcript NM_005609.4 (MANE Select); bases 17 to 18 of the intron after coding-DNA position 345, GC replaced by AA.
Molecular consequence: intron variant.
Genome position (GRCh38, 1-based): chr11:64,758,585-64,758,586, GC replaced by TT on the plus strand (GC replaced by AA on the coding strand, the reverse complement: PYGM is on the minus strand). VCF-style: chr11-64758585-GC-TT. GRCh37 (hg19) VCF-style: chr11-64526057-GC-TT.
Other names: c.244-320_244-319delinsAA (NM_001164716.1).
Identifiers: ClinVar variation 2202416 (VCV002202416.1), dbSNP rs2496671320, ClinGen allele CA2580084728.